The following is an entry in ClinVar:

NM_004329.3(BMPR1A):c.1515C>G (p.Ala505=)

Gene: BMPR1A (bone morphogenetic protein receptor type 1A; plus strand). Cytogenetic location: 10q23.2.
Variant type: single nucleotide variant.
Coding change: c.1515C>G on transcript NM_004329.3 (MANE Select); coding-DNA position 1515, C replaced by G.
Protein change: p.Ala505=; no amino-acid change (alanine 505 retained).
Molecular consequence: synonymous variant. On other transcripts: non-coding transcript variant (3).
Genome position (GRCh38, 1-based): chr10:86,923,635, C>G. VCF-style: chr10-86923635-C-G. GRCh37 (hg19) VCF-style: chr10-88683392-C-G.
Other names: c.1590C>G, p.Ala530= (NM_001406559.1); c.1563C>G, p.Ala521= (NM_001406560.1); c.1515C>G, p.Ala505= (NM_001406561.1, NM_001406562.1, NM_001406563.1 and 19 more transcripts); c.1509C>G, p.Ala503= (NM_001406583.1); c.1431C>G, p.Ala477= (NM_001406584.1, NM_001406585.1, NM_001406586.1 and 2 more transcripts); c.1173C>G, p.Ala391= (NM_001406589.1).
Identifiers: ClinVar variation 1774294 (VCV001774294.8), dbSNP rs1589293633, ClinGen allele CA470308838.

ClinVar aggregate classification (germline): Benign/Likely benign. Review status: criteria provided, multiple submitters, no conflicts (2 of 4 stars). 3 submissions from 3 submitters: Benign (1); Likely benign (2). Last evaluated 2024-08-08.

Conditions:
Juvenile polyposis syndrome (JPS). Identifiers: Orphanet 2929, MedGen C0345893, MONDO:0017380, OMIM 174900.
Hereditary cancer-predisposing syndrome. Also called: Tumor predisposition; Neoplastic Syndromes, Hereditary; Hereditary Cancer Syndrome; Hereditary neoplastic syndrome. Identifiers: Orphanet 140162, MedGen C0027672, MeSH D009386, MONDO:0015356.

Submissions (3):

Myriad Genetics, Inc.
Classification: Benign for Juvenile polyposis syndrome. Last evaluated: 2024-08-08. Review status: criteria provided, single submitter. Criteria: Myriad Autosomal Dominant, Autosomal Recessive and X-Linked Classification Criteria (2023). Collection method: clinical testing. Allele origin: unknown.
Comment: This variant is considered benign. This variant is a silent/synonymous amino acid change and it is not expected to impact splicing.

Labcorp Genetics (formerly Invitae), Labcorp
Classification: Likely benign for Juvenile polyposis syndrome. Last evaluated: 2022-10-16. Review status: criteria provided, single submitter. Criteria: Invitae Variant Classification Sherloc (09022015). Collection method: clinical testing. Allele origin: germline.

Ambry Genetics
Classification: Likely benign for Hereditary cancer-predisposing syndrome. Last evaluated: 2017-12-12. Review status: criteria provided, single submitter. Criteria: Ambry Variant Classification Scheme 2023. Collection method: clinical testing. Allele origin: germline.